The following is an entry in ClinVar:

ClinVar aggregate classification (germline): Uncertain significance (1 of 4 stars; one submission).

Submission:

Labcorp Genetics (formerly Invitae), Labcorp
Classification: Uncertain significance. Last evaluated: 2024-10-17. Review status: criteria provided, single submitter. Criteria: Invitae Variant Classification Sherloc (09022015). Collection method: clinical testing. Allele origin: germline.
Comment: This sequence change replaces phenylalanine, which is neutral and non-polar, with leucine, which is neutral and non-polar, at codon 246 of the PIGV protein (p.Phe246Leu). This variant is not present in population databases (gnomAD no frequency). This variant has not been reported in the literature in individuals affected with PIGV-related conditions. ClinVar contains an entry for this variant (Variation ID: 1422609). Invitae Evidence Modeling of protein sequence and biophysical properties (such as structural, functional, and spatial information, amino acid conservation, physicochemical variation, residue mobility, and thermodynamic stability) indicates that this missense variant is not expected to disrupt PIGV protein function with a negative predictive value of 95%. In summary, the available evidence is currently insufficient to determine the role of this variant in disease. Therefore, it has been classified as a Variant of Uncertain Significance.

NM_017837.4(PIGV):c.736T>C (p.Phe246Leu)

Gene: PIGV (phosphatidylinositol glycan anchor biosynthesis class V; plus strand). Cytogenetic location: 1p36.11.
Variant type: single nucleotide variant.
Coding change: c.736T>C on transcript NM_017837.4 (MANE Select); coding-DNA position 736, T replaced by C.
Protein change: p.Phe246Leu; replaces phenylalanine 246 with leucine.
Molecular consequence: missense variant. On other transcripts: non-coding transcript variant (1), intron variant (3).
Genome position (GRCh38, 1-based): chr1:26,794,770, T>C. VCF-style: chr1-26794770-T-C. GRCh37 (hg19) VCF-style: chr1-27121261-T-C.
Other names: c.736T>C, p.Phe246Leu (NM_001202554.2, NM_001374478.1, NM_001374480.1 and 2 more transcripts); c.355T>C, p.Phe119Leu (NM_001374483.1); c.173-64T>C (NM_001374484.1, NM_001374485.1); c.79-2793T>C (NM_001374486.1); short protein forms F119L, F246L.
Identifiers: ClinVar variation 1422609 (VCV001422609.8), dbSNP rs2124196074, ClinGen allele CA339200469.